The following is an entry in ClinVar:

ClinVar aggregate classification (germline): Uncertain significance. Review status: criteria provided, multiple submitters, no conflicts (2 of 4 stars). 4 submissions from 4 submitters: Uncertain significance (4). Last evaluated 2023-12-05.

Conditions:
Hereditary diffuse gastric adenocarcinoma (HDGC). Also called: DIFFUSE GASTRIC AND LOBULAR BREAST CANCER SYNDROME. Identifiers: Orphanet 26106, MedGen C1708349, MONDO:0007648, OMIM 137215.
Hereditary cancer-predisposing syndrome. Also called: Hereditary Cancer Syndrome; Neoplastic Syndromes, Hereditary; Tumor predisposition; Hereditary neoplastic syndrome. Identifiers: Orphanet 140162, MedGen C0027672, MeSH D009386, MONDO:0015356.

gnomAD v4.1: 1 of 1,613,064 alleles (0.000062%); no homozygotes.

Submissions (4):

Color Diagnostics, LLC DBA Color Health
Classification: Uncertain significance for Hereditary cancer-predisposing syndrome. Last evaluated: 2023-12-05. Review status: criteria provided, single submitter. Criteria: ACMG Guidelines, 2015. Collection method: clinical testing. Allele origin: germline.
Comment: This missense variant replaces isoleucine with threonine at codon 713 of the CDH1 protein. To our knowledge, functional studies have not been reported for this variant. This variant has not been reported in individuals affected with CDH1-related disorders in the literature. This variant has not been identified in the general population by the Genome Aggregation Database (gnomAD). The available evidence is insufficient to determine the role of this variant in disease conclusively. Therefore, this variant is classified as a Variant of Uncertain Significance.

Labcorp Genetics (formerly Invitae), Labcorp
Classification: Uncertain significance for Hereditary diffuse gastric adenocarcinoma. Last evaluated: 2023-07-19. Review status: criteria provided, single submitter. Criteria: Invitae Variant Classification Sherloc (09022015). Collection method: clinical testing. Allele origin: germline.
Comment: An algorithm developed to predict the effect of missense changes on protein structure and function (PolyPhen-2) suggests that this variant is likely to be disruptive. In summary, the available evidence is currently insufficient to determine the role of this variant in disease. Therefore, it has been classified as a Variant of Uncertain Significance. ClinVar contains an entry for this variant (Variation ID: 631364). This sequence change replaces isoleucine, which is neutral and non-polar, with threonine, which is neutral and polar, at codon 713 of the CDH1 protein (p.Ile713Thr). This variant is not present in population databases (gnomAD no frequency). This variant has not been reported in the literature in individuals affected with CDH1-related conditions.

Ambry Genetics
Classification: Uncertain significance for Hereditary cancer-predisposing syndrome. Last evaluated: 2023-02-04. Review status: criteria provided, single submitter. Criteria: Ambry Variant Classification Scheme 2023. Collection method: clinical testing. Allele origin: germline.
Comment: The p.I713T variant (also known as c.2138T>C), located in coding exon 13 of the CDH1 gene, results from a T to C substitution at nucleotide position 2138. The isoleucine at codon 713 is replaced by threonine, an amino acid with similar properties. This amino acid position is conserved. In addition, this alteration is predicted to be deleterious by in silico analysis. Since supporting evidence is limited at this time, the clinical significance of this alteration remains unclear.

GeneDx
Classification: Uncertain significance. Last evaluated: 2022-11-03. Review status: criteria provided, single submitter. Criteria: GeneDx Variant Classification Process June 2021. Collection method: clinical testing. Allele origin: germline. Affected: yes.
Comment: Not observed at significant frequency in large population cohorts (gnomAD); In silico analysis supports that this missense variant has a deleterious effect on protein structure/function; Has not been previously published as pathogenic or benign to our knowledge; This variant is associated with the following publications: (PMID: 15235021)

NM_004360.5(CDH1):c.2138T>C (p.Ile713Thr)

Gene: CDH1 (cadherin 1; plus strand). Cytogenetic location: 16q22.1.
Variant type: single nucleotide variant.
Coding change: c.2138T>C on transcript NM_004360.5 (MANE Select); coding-DNA position 2138, T replaced by C.
Protein change: p.Ile713Thr; replaces isoleucine 713 with threonine.
Molecular consequence: missense variant.
Genome position (GRCh38, 1-based): chr16:68,823,600, T>C. VCF-style: chr16-68823600-T-C. GRCh37 (hg19) VCF-style: chr16-68857503-T-C.
Other names: c.1955T>C, p.Ile652Thr (NM_001317184.2); c.590T>C, p.Ile197Thr (NM_001317185.2); c.173T>C, p.Ile58Thr (NM_001317186.2); c.2138T>C (NM_004360.3); short protein forms I713T, I652T, I197T, I58T.
Identifiers: ClinVar variation 631364 (VCV000631364.15), dbSNP rs1567513466, ClinGen allele CA396467924.
Genomic context (GRCh38, chr16:68,823,600, plus strand): 5'-GCGTCTGTAGGAAGGCACAGCCTGTCGAAGCAGGATTGCAAATTCCTGCCATTCTGGGGA[T>C]TCTTGGAGGAATTCTTGCTTTGCTAAGTAAGTCCAGCTGGCAAGTGACTCAGCCTTTGAC-3'
Protein context (NP_004351.1, residues 703-723): AGLQIPAILG[Ile713Thr]LGGILALLIL